The following is an entry in ClinVar:

NM_000195.5(HPS1):c.742G>A (p.Glu248Lys)

Gene: HPS1 (HPS1 biogenesis of lysosomal organelles complex 3 subunit 1; minus strand). Cytogenetic location: 10q24.2.
Variant type: single nucleotide variant.
Coding change: c.742G>A on transcript NM_000195.5 (MANE Select); coding-DNA position 742, G replaced by A.
Protein change: p.Glu248Lys; replaces glutamic acid 248 with lysine.
Molecular consequence: missense variant. On other transcripts: 5 prime UTR variant (3), synonymous variant (2).
Genome position (GRCh38, 1-based): chr10:98,430,597, C>T on the plus strand (G>A on the coding strand, the complement: HPS1 is on the minus strand). VCF-style: chr10-98430597-C-T. GRCh37 (hg19) VCF-style: chr10-100190354-C-T.
Other names: c.-132G>A (NM_001311345.2, NM_001322489.2); c.742G>A, p.Glu248Lys (NM_001322476.2, NM_001322477.2, NM_001322478.2 and 3 more transcripts); c.481G>A, p.Glu161Lys (NM_001322480.2, NM_001322481.2, NM_001322482.2); c.373G>A, p.Glu125Lys (NM_001322483.2, NM_001322484.2, NM_001322485.2); c.-231G>A (NM_001322487.2); c.624G>A, p.Ala208= (NM_001322490.2, NM_001322492.2); short protein forms E161K, E248K, E125K.
Identifiers: ClinVar variation 877529 (VCV000877529.7), dbSNP rs11189601, ClinGen allele CA5639307.
Genomic context (GRCh38, chr10:98,430,597, plus strand): 5'-TGGCCTCCCTCTGCCCAGAAAGCTGCCCTGAGACCTGAATGTCGTCCTCTGCTGTGCTCT[C>T]GCTGGGGTAGAGGTCCTGAACCAGGAGGATGAGGGCAAGCAGGTCGGCCGGGCGCAGGGA-3'
Protein context (NP_000186.2, residues 238-258): ILLVQDLYPS[Glu248Lys]STAEDDIQPS

ClinVar aggregate classification (germline): Uncertain significance. Review status: criteria provided, multiple submitters, no conflicts (2 of 4 stars). 3 submissions from 3 submitters: Uncertain significance (3). Last evaluated 2024-02-28.

Conditions:
Hermansky-Pudlak syndrome 1 (HPS1). Also called: DELTA STORAGE POOL DISEASE. Identifiers: Orphanet 231500, Orphanet 79430, MedGen C2931875, MONDO:0008748, OMIM 203300.

Allele frequency attached by ClinVar (database versions not stated): gnomAD 0.00001; gnomAD exomes 0.00002 and 0.00005; TOPMed 0.00003; ExAC 0.00005.
gnomAD v4.1: 27 of 1,554,970 alleles (0.0017%); highest among the groups gnomAD compares: East Asian, 0.039%; no homozygotes.

Submissions (3):

Fulgent Genetics
Classification: Uncertain significance for Hermansky-Pudlak syndrome 1. Last evaluated: 2024-02-28. Review status: criteria provided, single submitter. Criteria: ACMG Guidelines, 2015. Collection method: clinical testing. Allele origin: germline.

Labcorp Genetics (formerly Invitae), Labcorp
Classification: Uncertain significance. Last evaluated: 2022-09-01. Review status: criteria provided, single submitter. Criteria: Invitae Variant Classification Sherloc (09022015). Collection method: clinical testing. Allele origin: germline.
Comment: This sequence change replaces glutamic acid, which is acidic and polar, with lysine, which is basic and polar, at codon 248 of the HPS1 protein (p.Glu248Lys). This variant is present in population databases (rs11189601, gnomAD 0.06%). This variant has not been reported in the literature in individuals affected with HPS1-related conditions. ClinVar contains an entry for this variant (Variation ID: 877529). Algorithms developed to predict the effect of missense changes on protein structure and function output the following: SIFT: "Tolerated"; PolyPhen-2: "Benign"; Align-GVGD: "Class C0". The lysine amino acid residue is found in multiple mammalian species, which suggests that this missense change does not adversely affect protein function. In summary, the available evidence is currently insufficient to determine the role of this variant in disease. Therefore, it has been classified as a Variant of Uncertain Significance.

Illumina Laboratory Services, Illumina
Classification: Uncertain significance for Hermansky-Pudlak syndrome 1. Last evaluated: 2017-04-27. Review status: criteria provided, single submitter. Criteria: ICSL Variant Classification Criteria 13 December 2019. Collection method: clinical testing. Allele origin: germline.